The following is an entry in ClinVar:

ClinVar aggregate classification (germline): Pathogenic. Review status: criteria provided, multiple submitters, no conflicts (2 of 4 stars). 2 submissions from 2 submitters: Pathogenic (2). Last evaluated 2025-10-15.

Conditions:
Waardenburg syndrome type 4C (WS4C). Also called: WAARDENBURG SYNDROME WITH HIRSCHSPRUNG DISEASE, TYPE 4C. Identifiers: Orphanet 897, MedGen C2750452, MONDO:0013202, OMIM 613266.
SOX10-related disorder. Also called: SOX10-related condition.

Submissions (2):

Greenwood Genetic Center Diagnostic Laboratories, Greenwood Genetic Center
Classification: Pathogenic for SOX10-related disorder. Last evaluated: 2025-10-15. Review status: criteria provided, single submitter. Criteria: ACMG Guidelines, 2015. Collection method: clinical testing. Allele origin: germline. Affected: yes.
Comment: PVS1, PS2, PM2

Institute of Rare Diseases, West China Hospital, Sichuan University
Classification: Pathogenic for Waardenburg syndrome type 4C. Last evaluated: 2025-01-09. Review status: criteria provided, single submitter. Criteria: ClinGen HL ACMG Specifications v1. Collection method: research. Allele origin: germline. Affected: yes.
Comment: PM1;PVS1;PS2;PP4;PM2_Supporting

NM_006941.4(SOX10):c.497_500del (p.Lys166fs)

Genes: POLR2F (RNA polymerase II, I and III subunit F; plus strand), SOX10 (SRY-box transcription factor 10; minus strand). Cytogenetic location: 22q13.1.
Variant type: Microsatellite.
Coding change: c.497_500del on transcript NM_006941.4 (MANE Select); coding-DNA positions 497 to 500, 4 bases deleted (AAGA; older notation c.497_500delAAGA).
Protein change: p.Lys166fs; shifts the reading frame from lysine 166.
Molecular consequence: frameshift variant. On other transcripts: intron variant (3).
Genome position (GRCh38, 1-based): chr22:37,978,064-37,978,067, TCTT deleted on the plus strand (AAGA on the coding strand, the reverse complement: SOX10 is on the minus strand); deleting any 4 consecutive bases within chr22:37,978,064-37,978,071 gives the same sequence; the c. name uses the placement nearest the transcript's 3' end. VCF-style (leftmost placement, unchanged base first): chr22-37978063-GTCTT-G. GRCh37 (hg19) VCF-style: chr22-38374070-GTCTT-G.
Other names: c.*38+5758_*38+5761del (NM_001363825.1); c.294-8086_294-8083del (NM_001301130.2); c.293+10898_293+10901del (NM_001301131.2); short protein forms K166fs.
Identifiers: ClinVar variation 3601841 (VCV003601841.1).